The following is an entry in ClinVar:

NM_003072.5(SMARCA4):c.50C>T (p.Ser17Phe)

Gene: SMARCA4 (SWI/SNF related BAF chromatin remodeling complex subunit ATPase 4; plus strand). Cytogenetic location: 19p13.2.
Variant type: single nucleotide variant.
Coding change: c.50C>T on transcript NM_003072.5 (MANE Select); coding-DNA position 50, C replaced by T.
Protein change: p.Ser17Phe; replaces serine 17 with phenylalanine.
Molecular consequence: missense variant. On other transcripts: non-coding transcript variant (1).
Genome position (GRCh38, 1-based): chr19:10,984,201, C>T. VCF-style: chr19-10984201-C-T. GRCh37 (hg19) VCF-style: chr19-11094877-C-T.
Other names: c.50C>T, p.Ser17Phe (NM_001128844.3, NM_001128845.2, NM_001128846.2 and 4 more transcripts); short protein forms S17F.
Identifiers: ClinVar variation 954832 (VCV000954832.9), dbSNP rs2085806321, ClinGen allele CA404053992.

ClinVar aggregate classification (germline): Uncertain significance (1 of 4 stars; one submission).

Conditions:
Rhabdoid tumor predisposition syndrome 2 (RTPS2). Identifiers: Orphanet 231108, Orphanet 69077, MedGen C2750074, MONDO:0013224, OMIM 613325.

Submission:

Labcorp Genetics (formerly Invitae), Labcorp
Classification: Uncertain significance for Rhabdoid tumor predisposition syndrome 2. Last evaluated: 2019-08-05. Review status: criteria provided, single submitter. Criteria: Invitae Variant Classification Sherloc (09022015). Collection method: clinical testing. Allele origin: germline.
Comment: This sequence change replaces serine with phenylalanine at codon 17 of the SMARCA4 protein (p.Ser17Phe). The serine residue is highly conserved and there is a large physicochemical difference between serine and phenylalanine. This variant is not present in population databases (ExAC no frequency). This variant has not been reported in the literature in individuals with SMARCA4-related conditions. In summary, the available evidence is currently insufficient to determine the role of this variant in disease. Therefore, it has been classified as a Variant of Uncertain Significance.